The following is an entry in ClinVar:

NM_005228.5(EGFR):c.3397G>T (p.Val1133Leu)

Gene: EGFR (epidermal growth factor receptor; plus strand). Cytogenetic location: 7p11.2.
Variant type: single nucleotide variant.
Coding change: c.3397G>T on transcript NM_005228.5 (MANE Select); coding-DNA position 3397, G replaced by T.
Protein change: p.Val1133Leu; replaces valine 1133 with leucine.
Molecular consequence: missense variant.
Genome position (GRCh38, 1-based): chr7:55,205,381, G>T. VCF-style: chr7-55205381-G-T. GRCh37 (hg19) VCF-style: chr7-55273074-G-T.
Other names: c.3262G>T, p.Val1088Leu (NM_001346899.2); c.3238G>T, p.Val1080Leu (NM_001346900.2); c.2596G>T, p.Val866Leu (NM_001346941.2); short protein forms V1080L, V1088L, V1133L, V866L.
Identifiers: ClinVar variation 3627587 (VCV003627587.3).

ClinVar aggregate classification (germline): Uncertain significance. Review status: criteria provided, multiple submitters, no conflicts (2 of 4 stars). 2 submissions from 2 submitters: Uncertain significance (2). Last evaluated 2025-11-29.

Conditions:
Hereditary cancer-predisposing syndrome. Also called: Tumor predisposition; Hereditary neoplastic syndrome; Neoplastic Syndromes, Hereditary; Hereditary Cancer Syndrome. Identifiers: Orphanet 140162, MedGen C0027672, MeSH D009386, MONDO:0015356.
EGFR-related lung cancer (EGFR). Identifiers: MedGen CN130014.

gnomAD v4.1: 1 of 1,614,100 alleles (0.000062%); highest among the groups gnomAD compares: Non-Finnish European, 0.000085%; no homozygotes.

Submissions (2):

Ambry Genetics
Classification: Uncertain significance for Hereditary cancer-predisposing syndrome. Last evaluated: 2025-11-29. Review status: criteria provided, single submitter. Criteria: Ambry Variant Classification Scheme 2023. Collection method: clinical testing. Allele origin: germline.
Comment: The p.V1133L variant (also known as c.3397G>T), located in coding exon 28 of the EGFR gene, results from a G to T substitution at nucleotide position 3397. The valine at codon 1133 is replaced by leucine, an amino acid with highly similar properties. This amino acid position is conserved. In addition, this alteration is predicted to be tolerated by in silico analysis. Based on the available evidence, the clinical significance of this variant remains unclear.

Labcorp Genetics (formerly Invitae), Labcorp
Classification: Uncertain significance for EGFR-related lung cancer. Last evaluated: 2024-06-30. Review status: criteria provided, single submitter. Criteria: Invitae Variant Classification Sherloc (09022015). Collection method: clinical testing. Allele origin: germline.
Comment: This sequence change replaces valine, which is neutral and non-polar, with leucine, which is neutral and non-polar, at codon 1133 of the EGFR protein (p.Val1133Leu). This variant is not present in population databases (gnomAD no frequency). This variant has not been reported in the literature in individuals affected with EGFR-related conditions. An algorithm developed to predict the effect of missense changes on protein structure and function (PolyPhen-2) suggests that this variant is likely to be tolerated. In summary, the available evidence is currently insufficient to determine the role of this variant in disease. Therefore, it has been classified as a Variant of Uncertain Significance.